The following is an entry in ClinVar:

NM_002437.5(MPV17):c.194T>C (p.Val65Ala)

Gene: MPV17 (mitochondrial inner membrane protein MPV17; minus strand). Cytogenetic location: 2p23.3.
Variant type: single nucleotide variant.
Coding change: c.194T>C on transcript NM_002437.5 (MANE Select); coding-DNA position 194, T replaced by C.
Protein change: p.Val65Ala; replaces valine 65 with alanine.
Molecular consequence: missense variant.
Genome position (GRCh38, 1-based): chr2:27,312,765, A>G on the plus strand (T>C on the coding strand, the complement: MPV17 is on the minus strand). VCF-style: chr2-27312765-A-G. GRCh37 (hg19) VCF-style: chr2-27535632-A-G.
Other names: c.194T>C (NM_002437.4); short protein forms V65A.
Identifiers: ClinVar variation 2163511 (VCV002163511.2), dbSNP rs140888121, ClinGen allele CA1575630.

ClinVar aggregate classification (germline): Uncertain significance. Review status: criteria provided, multiple submitters, no conflicts (2 of 4 stars). 2 submissions from 2 submitters: Uncertain significance (2). Last evaluated 2024-10-30.

Allele frequency attached by ClinVar (database versions not stated): TOPMed 0.00001; ExAC 0.00002; gnomAD exomes 0.00002; ESP Exome Variant Server 0.00015.

Submissions (2):

GeneDx
Classification: Uncertain significance. Last evaluated: 2024-10-30. Review status: criteria provided, single submitter. Criteria: GeneDx Variant Classification Process June 2021. Collection method: clinical testing. Allele origin: germline. Affected: yes.
Comment: Not observed at significant frequency in large population cohorts (gnomAD); Missense variants in this gene are a common cause of disease and they are underrepresented in the general population; In silico analysis indicates that this missense variant does not alter protein structure/function; Has not been previously published as pathogenic or benign to our knowledge

Labcorp Genetics (formerly Invitae), Labcorp
Classification: Uncertain significance. Last evaluated: 2022-01-02. Review status: criteria provided, single submitter. Criteria: Invitae Variant Classification Sherloc (09022015). Collection method: clinical testing. Allele origin: germline.
Comment: This sequence change replaces valine, which is neutral and non-polar, with alanine, which is neutral and non-polar, at codon 65 of the MPV17 protein (p.Val65Ala). This variant is present in population databases (rs140888121, gnomAD 0.003%). This variant has not been reported in the literature in individuals affected with MPV17-related conditions. Advanced modeling of protein sequence and biophysical properties (such as structural, functional, and spatial information, amino acid conservation, physicochemical variation, residue mobility, and thermodynamic stability) performed at Invitae indicates that this missense variant is not expected to disrupt MPV17 protein function. In summary, the available evidence is currently insufficient to determine the role of this variant in disease. Therefore, it has been classified as a Variant of Uncertain Significance.